The following is an entry in ClinVar:

ClinVar aggregate classification (germline): Uncertain significance (1 of 4 stars; one submission).

Conditions:
Familial hypercholesterolemia. Also called: Familial hypercholesterolaemia. Identifiers: MedGen C0020445, MONDO:0005439.

Submission:

Color Diagnostics, LLC DBA Color Health
Classification: Uncertain significance for Familial hypercholesterolemia. Last evaluated: 2025-09-29. Review status: criteria provided, single submitter. Criteria: ACMG Guidelines, 2015. Collection method: clinical testing. Allele origin: germline.
Comment: This missense variant replaces glutamic acid with glutamine at codon 206 of the PCSK9 protein. Computational prediction suggests that this variant may not impact protein structure and function. To our knowledge, functional studies have not been reported for this variant. This variant has not been reported in individuals affected with PCSK9-related disorders in the literature. This variant has not been identified in the general population by the Genome Aggregation Database (gnomAD). The available evidence is insufficient to determine the role of this variant in disease conclusively. Therefore, this variant is classified as a Variant of Uncertain Significance.

NM_174936.4(PCSK9):c.616G>C (p.Glu206Gln)

Gene: PCSK9 (proprotein convertase subtilisin/kexin type 9; plus strand). Cytogenetic location: 1p32.3.
Variant type: single nucleotide variant.
Coding change: c.616G>C on transcript NM_174936.4 (MANE Select); coding-DNA position 616, G replaced by C.
Protein change: p.Glu206Gln; replaces glutamic acid 206 with glutamine.
Molecular consequence: missense variant. On other transcripts: non-coding transcript variant (8).
Genome position (GRCh38, 1-based): chr1:55,052,370, G>C. VCF-style: chr1-55052370-G-C. GRCh37 (hg19) VCF-style: chr1-55518043-G-C.
Other names: c.739G>C, p.Glu247Gln (NM_001407240.1); c.616G>C, p.Glu206Gln (NM_001407241.1, NM_001407242.1, NM_001407244.1 and 1 more transcripts); c.559G>C, p.Glu187Gln (NM_001407243.1); c.424G>C, p.Glu142Gln (NM_001407245.1); c.241G>C, p.Glu81Gln (NM_001407246.1); short protein forms E142Q, E187Q, E206Q, E247Q, E81Q.
Identifiers: ClinVar variation 4758103 (VCV004758103.1).